The following is an entry in ClinVar:

NM_030962.4(SBF2):c.1277C>A (p.Ser426Tyr)

Gene: SBF2 (SET binding factor 2; minus strand). Cytogenetic location: 11p15.4.
Variant type: single nucleotide variant.
Coding change: c.1277C>A on transcript NM_030962.4 (MANE Select); coding-DNA position 1277, C replaced by A.
Protein change: p.Ser426Tyr; replaces serine 426 with tyrosine.
Molecular consequence: missense variant. On other transcripts: intron variant (1).
Genome position (GRCh38, 1-based): chr11:9,992,434, G>T on the plus strand (C>A on the coding strand, the complement: SBF2 is on the minus strand). VCF-style: chr11-9992434-G-T. GRCh37 (hg19) VCF-style: chr11-10013981-G-T.
Other names: c.1277C>A, p.Ser426Tyr (NM_001386339.1); c.1167+556C>A (NM_001386342.1); c.1277C>A (NM_030962.3); short protein forms S426Y.
Identifiers: ClinVar variation 1039510 (VCV001039510.11), dbSNP rs759009170, ClinGen allele CA5881877.

ClinVar aggregate classification (germline): Uncertain significance. Review status: criteria provided, multiple submitters, no conflicts (2 of 4 stars). 3 submissions from 3 submitters: Uncertain significance (3). Last evaluated 2025-10-28.

Conditions:
Inborn genetic diseases. Identifiers: MedGen C0950123, MeSH D030342.
Charcot-Marie-Tooth disease type 4. Also called: Charcot-Marie-Tooth disease, type IV; Charcot-Marie-Tooth, Type 4. Identifiers: Orphanet 64749, MedGen C4082197, MONDO:0018995.

Allele frequency attached by ClinVar (database versions not stated): gnomAD 0.00001; TOPMed 0.00002; ExAC 0.00004; gnomAD exomes 0.00007.
gnomAD v4.1: 39 of 1,612,436 alleles (0.0024%); highest among the groups gnomAD compares: East Asian, 0.085%; no homozygotes.

Submissions (3):

Women's Health and Genetics/Laboratory Corporation of America, LabCorp
Classification: Uncertain significance. Last evaluated: 2025-10-28. Review status: criteria provided, single submitter. Criteria: LabCorp Variant Classification Summary - May 2015. Collection method: clinical testing. Allele origin: germline.
Comment: Variant summary: SBF2 c.1277C>A (p.Ser426Tyr) results in a non-conservative amino acid change in the encoded protein sequence. Algorithms developed to predict the effect of missense changes on protein structure and function are either unavailable or do not agree on the potential impact of this missense change. The variant allele was found at a frequency of 6.8e-05 in 250594 control chromosomes. This frequency is not significantly higher than estimated for disease-causing variants in SBF2, allowing no conclusion about variant significance. To our knowledge, no occurrence of c.1277C>A in individuals affected with SBF2-related conditions and no experimental evidence demonstrating its impact on protein function have been reported. ClinVar contains an entry for this variant (Variation ID: 1039510). Based on the evidence outlined above, the variant was classified as uncertain significance.

Ambry Genetics
Classification: Uncertain significance for Inborn genetic diseases. Last evaluated: 2022-10-18. Review status: criteria provided, single submitter. Criteria: Ambry Variant Classification Scheme 2023. Collection method: clinical testing. Allele origin: germline.

Labcorp Genetics (formerly Invitae), Labcorp
Classification: Uncertain significance for Charcot-Marie-Tooth disease type 4. Last evaluated: 2022-08-16. Review status: criteria provided, single submitter. Criteria: Invitae Variant Classification Sherloc (09022015). Collection method: clinical testing. Allele origin: germline.
Comment: In summary, the available evidence is currently insufficient to determine the role of this variant in disease. Therefore, it has been classified as a Variant of Uncertain Significance. Algorithms developed to predict the effect of missense changes on protein structure and function are either unavailable or do not agree on the potential impact of this missense change (SIFT: "Deleterious"; PolyPhen-2: "Benign"; Align-GVGD: "Class C0"). ClinVar contains an entry for this variant (Variation ID: 1039510). This variant has not been reported in the literature in individuals affected with SBF2-related conditions. This variant is present in population databases (rs759009170, gnomAD 0.09%). This sequence change replaces serine, which is neutral and polar, with tyrosine, which is neutral and polar, at codon 426 of the SBF2 protein (p.Ser426Tyr).